The following is an entry in ClinVar:

ClinVar aggregate classification (germline): Conflicting classifications of pathogenicity. Review status: criteria provided, conflicting classifications (1 of 4 stars). 10 submissions from 9 submitters: Uncertain significance (8); Likely benign (2). Last evaluated 2026-07-20.

Conditions:
CC2D2A-related disorder. Also called: CC2D2A-related disorders; CC2D2A-related condition. Identifiers: MedGen CN239313.
Inborn genetic diseases. Identifiers: MedGen C0950123, MeSH D030342.
Meckel syndrome, type 6. Identifiers: Orphanet 564, MedGen C2676790, MONDO:0012848, OMIM 612284.
Joubert syndrome 9 (JBTS9). Identifiers: Orphanet 2318, MedGen C2676788, MONDO:0012849, OMIM 612285.
COACH syndrome 1. Identifiers: Orphanet 1454, MedGen C5435651, MONDO:0800103, OMIM 216360, MONDO:0008996.
Meckel-Gruber syndrome. Also called: DYSENCEPHALIA SPLANCHNOCYSTICA; GRUBER SYNDROME; Dysencephalia splachnocystica. Identifiers: Orphanet 564, MedGen C0265215, MONDO:0018921.
Joubert syndrome. Also called: Familial aplasia of the vermis; JOUBERT-BOLTSHAUSER SYNDROME. Identifiers: Orphanet 475, MedGen C5979921, MONDO:0018772.

Allele frequency attached by ClinVar (database versions not stated): gnomAD 0.00010; gnomAD exomes 0.00010 and 0.00013; TOPMed 0.00011; 1000 Genomes Project 30x 0.00016; ExAC 0.00016; ESP Exome Variant Server 0.00016; 1000 Genomes Project 0.00020.
gnomAD v4.1: 165 of 1,610,494 alleles (0.01%); highest among the groups gnomAD compares: Middle Eastern, 0.21%; no homozygotes.

Submissions (10):

PreventionGenetics, part of Exact Sciences
Classification: Uncertain significance for CC2D2A-related condition. Last evaluated: 2026-07-20. Review status: criteria provided, single submitter. Criteria: ACMG Guidelines, 2015. Collection method: clinical testing. Allele origin: germline.
Comment: The CC2D2A c.1837G>A variant is predicted to result in the amino acid substitution p.Glu613Lys. To our knowledge, this variant has not been reported in the literature. This variant is reported in 0.068% of alleles in individuals of East Asian descent in gnomAD, which may be too frequent to be a primary cause of disease. Although we suspect that this variant may be benign, the clinical significance of this variant is currently classified as uncertain due to the absence of conclusive functional and genetic evidence.

Labcorp Genetics (formerly Invitae), Labcorp
Classification: Likely benign for Joubert syndrome; Meckel-Gruber syndrome. Last evaluated: 2026-01-28. Review status: criteria provided, single submitter. Criteria: Invitae Variant Classification Sherloc (09022015). Collection method: clinical testing. Allele origin: germline.

Ambry Genetics
Classification: Uncertain significance for Inborn genetic diseases. Last evaluated: 2025-08-07. Review status: criteria provided, single submitter. Criteria: Ambry Variant Classification Scheme 2023. Collection method: clinical testing. Allele origin: germline.

Blueprint Genetics
Classification: Likely benign. Last evaluated: 2024-07-22. Review status: criteria provided, single submitter. Criteria: ACMG Guidelines, 2015. Collection method: clinical testing. Allele origin: germline.

Baylor Genetics
Classification: Uncertain significance for Joubert syndrome 9. Last evaluated: 2019-08-08. Review status: criteria provided, single submitter. Criteria: ACMG Guidelines, 2015. Collection method: clinical testing. Allele origin: unknown. Affected: yes.
Comment: This variant was determined to be of uncertain significance according to ACMG Guidelines, 2015 [PMID:25741868].

Fulgent Genetics
Classification: Uncertain significance for COACH syndrome 1; Meckel syndrome, type 6; Joubert syndrome 9. Last evaluated: 2018-10-31. Review status: criteria provided, single submitter. Criteria: ACMG Guidelines, 2015. Collection method: clinical testing. Allele origin: unknown.

Eurofins Ntd Llc (ga)
Classification: Uncertain significance. Last evaluated: 2018-07-19. Review status: criteria provided, single submitter. Criteria: EGL ClinVar v180209 classification definitions. Collection method: clinical testing. Allele origin: germline. Observed: 8 variant alleles, 8 heterozygotes.

Illumina Laboratory Services, Illumina
Classification: Uncertain significance for Meckel syndrome, type 6. Last evaluated: 2017-04-27. Review status: criteria provided, single submitter. Criteria: ICSL Variant Classification Criteria 13 December 2019. Collection method: clinical testing. Allele origin: germline.

Illumina Laboratory Services, Illumina
Classification: Uncertain significance for Joubert syndrome 9. Last evaluated: 2017-04-27. Review status: criteria provided, single submitter. Criteria: ICSL Variant Classification Criteria 13 December 2019. Collection method: clinical testing. Allele origin: germline.

GeneDx
Classification: Uncertain significance. Last evaluated: 2016-05-18. Review status: criteria provided, single submitter. Criteria: GeneDx Variant Classification (06012015). Collection method: clinical testing. Allele origin: germline. Affected: yes.
Comment: The E613K variant in the E613K gene has not been published as a pathogenic variant, nor has it been reported as a benign polymorphism to our knowledge. The E613K variant was not observed with any significant frequency in approximately 6200 individuals of European and African American ancestry in the NHLBI Exome Sequencing Project, indicating it is not a common benign variant in these populations. The E613K variant is a non-conservative amino acid substitution, which is likely to impact secondary protein structure as these residues differ in polarity, charge, size and/or other properties. This substitution occurs at a position that is not conserved across species. In silico analysis predicts this variant likely does not alter the protein structure/function. We interpret E613K as a variant of unknown significance.

NM_001378615.1(CC2D2A):c.1837G>A (p.Glu613Lys)

Genes: CC2D2A (coiled-coil and C2 domain containing 2A; plus strand), FBXL5 (F-box and leucine rich repeat protein 5; minus strand). Cytogenetic location: 4p15.32.
Variant type: single nucleotide variant.
Coding change: c.1837G>A on transcript NM_001378615.1 (MANE Select); coding-DNA position 1837, G replaced by A.
Protein change: p.Glu613Lys; replaces glutamic acid 613 with lysine.
Molecular consequence: missense variant.
Genome position (GRCh38, 1-based): chr4:15,537,971, G>A. VCF-style: chr4-15537971-G-A. GRCh37 (hg19) VCF-style: chr4-15539594-G-A.
Other names: c.1837G>A, p.Glu613Lys (NM_001080522.2); c.1690G>A, p.Glu564Lys (NM_001378617.1); short protein forms E613K, E564K.
Identifiers: ClinVar variation 194715 (VCV000194715.29), dbSNP rs201439617, ClinGen allele CA240849.